The following is an entry in ClinVar:

NM_032608.7(MYO18B):c.6532C>T (p.Arg2178Trp)

Gene: MYO18B (myosin XVIIIB; plus strand). Cytogenetic location: 22q12.1.
Variant type: single nucleotide variant.
Coding change: c.6532C>T on transcript NM_032608.7 (MANE Select); coding-DNA position 6532, C replaced by T.
Protein change: p.Arg2178Trp; replaces arginine 2178 with tryptophan.
Molecular consequence: missense variant.
Genome position (GRCh38, 1-based): chr22:26,026,506, C>T. VCF-style: chr22-26026506-C-T. GRCh37 (hg19) VCF-style: chr22-26422472-C-T.
Other names: c.6535C>T, p.Arg2179Trp (NM_001318245.2); c.6532C>T (NM_032608.6); short protein forms R2178W, R2179W.
Identifiers: ClinVar variation 4625504 (VCV004625504.2).

ClinVar aggregate classification (germline): Conflicting classifications of pathogenicity. Review status: criteria provided, conflicting classifications (1 of 4 stars). 2 submissions from 2 submitters: Uncertain significance (1); Likely benign (1). Last evaluated 2026-04-13.

Conditions:
MYO18B-related disorder. Also called: MYO18B-related condition.
Inborn genetic diseases. Identifiers: MedGen C0950123, MeSH D030342.

gnomAD v4.1: 14 of 1,613,852 alleles (0.00087%); highest among the groups gnomAD compares: Admixed American, 0.005%; no homozygotes.

Submissions (2):

PreventionGenetics, part of Exact Sciences
Classification: Uncertain significance for MYO18B-related condition. Last evaluated: 2026-04-13. Review status: criteria provided, single submitter. Criteria: ACMG Guidelines, 2015. Collection method: clinical testing. Allele origin: germline.
Comment: The MYO18B c.6532C>T variant is predicted to result in the amino acid substitution p.Arg2178Trp. To our knowledge, this variant has not been reported in the literature. This variant is reported in 0.013% of alleles in individuals of African descent in gnomAD. At this time, the clinical significance of this variant is uncertain due to the absence of conclusive functional and genetic evidence.

Ambry Genetics
Classification: Likely benign for Inborn genetic diseases. Last evaluated: 2025-12-11. Review status: criteria provided, single submitter. Criteria: Ambry Variant Classification Scheme 2023. Collection method: clinical testing. Allele origin: germline.